The following is an entry in ClinVar:

ClinVar aggregate classification (germline): Uncertain significance (1 of 4 stars; one submission).

Conditions:
Neuroblastoma, susceptibility to, 3. Also called: ALK-Related Neuroblastic Tumor Susceptibility. Identifiers: Orphanet 635, MedGen C2751681, MONDO:0013083, OMIM 613014.

Submission:

Labcorp Genetics (formerly Invitae), Labcorp
Classification: Uncertain significance for Neuroblastoma, susceptibility to, 3. Last evaluated: 2020-12-31. Review status: criteria provided, single submitter. Criteria: Invitae Variant Classification Sherloc (09022015). Collection method: clinical testing. Allele origin: germline.
Comment: Algorithms developed to predict the effect of missense changes on protein structure and function are either unavailable or do not agree on the potential impact of this missense change (SIFT: "Deleterious"; PolyPhen-2: "Benign"; Align-GVGD: "Class C0"). In summary, the available evidence is currently insufficient to determine the role of this variant in disease. Therefore, it has been classified as a Variant of Uncertain Significance. This variant has not been reported in the literature in individuals with ALK-related conditions. This variant is not present in population databases (ExAC no frequency). This sequence change replaces glycine with serine at codon 146 of the ALK protein (p.Gly146Ser). The glycine residue is moderately conserved and there is a small physicochemical difference between glycine and serine.

NM_004304.5(ALK):c.436G>A (p.Gly146Ser)

Gene: ALK (ALK receptor tyrosine kinase; minus strand). Cytogenetic location: 2p23.1.
Variant type: single nucleotide variant.
Coding change: c.436G>A on transcript NM_004304.5 (MANE Select); coding-DNA position 436, G replaced by A.
Protein change: p.Gly146Ser; replaces glycine 146 with serine.
Molecular consequence: missense variant.
Genome position (GRCh38, 1-based): chr2:29,920,224, C>T on the plus strand (G>A on the coding strand, the complement: ALK is on the minus strand). VCF-style: chr2-29920224-C-T. GRCh37 (hg19) VCF-style: chr2-30143090-C-T.
Other names: short protein forms G146S.
Identifiers: ClinVar variation 1401376 (VCV001401376.8), dbSNP rs2148443264, ClinGen allele CA346590050.
Genomic context (GRCh38, chr2:29,920,224, plus strand): 5'-GCAGCCCCACAGCCGCCTCCCCGGGGGGCCCGACGCAACCCTCCAAGATCGCCTCCTCGC[C>T]CAGCTCCAGCACCAACTGCTTGGCACGCCGGAGCTTGCGCACGGAGCCGCCCTTCAGCAC-3'
Protein context (NP_004295.2, residues 136-156): RRAKQLVLEL[Gly146Ser]EEAILEGCVG